The following is an entry in ClinVar:

NM_182493.3(MYLK3):c.1249G>T (p.Glu417Ter)

Gene: MYLK3 (myosin light chain kinase 3; minus strand). Cytogenetic location: 16q11.2.
Variant type: single nucleotide variant.
Coding change: c.1249G>T on transcript NM_182493.3 (MANE Select); coding-DNA position 1249, G replaced by T.
Protein change: p.Glu417Ter; replaces glutamic acid 417 with a stop codon.
Molecular consequence: nonsense.
Genome position (GRCh38, 1-based): chr16:46,732,421, C>A on the plus strand (G>T on the coding strand, the complement: MYLK3 is on the minus strand). VCF-style: chr16-46732421-C-A. GRCh37 (hg19) VCF-style: chr16-46766333-C-A.
Other names: c.226G>T, p.Glu76Ter (NM_001308301.1); short protein forms E417*, E76*.
Identifiers: ClinVar variation 2988426 (VCV002988426.3), dbSNP rs779509518, ClinGen allele CA395792486.

ClinVar aggregate classification (germline): Uncertain significance (1 of 4 stars; one submission).

Allele frequency attached by ClinVar (database versions not stated): gnomAD 0.00011; TOPMed 0.00019.
gnomAD v4.1: 24 of 1,613,312 alleles (0.0015%); highest among the groups gnomAD compares: Admixed American, 0.038%; no homozygotes.

Submission:

Labcorp Genetics (formerly Invitae), Labcorp
Classification: Uncertain significance. Last evaluated: 2025-02-06. Review status: criteria provided, single submitter. Criteria: Invitae Variant Classification Sherloc (09022015). Collection method: clinical testing. Allele origin: germline.
Comment: This sequence change creates a premature translational stop signal (p.Glu417*) in the MYLK3 gene. It is expected to result in an absent or disrupted protein product. However, the current clinical and genetic evidence is not sufficient to establish whether loss-of-function variants in MYLK3 cause disease. This variant is present in population databases (no rsID available, gnomAD 0.02%). This variant has not been reported in the literature in individuals affected with MYLK3-related conditions. ClinVar contains an entry for this variant (Variation ID: 2988426). In summary, the available evidence is currently insufficient to determine the role of this variant in disease. Therefore, it has been classified as a Variant of Uncertain Significance.